The following is an entry in ClinVar:

ClinVar aggregate classification (germline): Benign/Likely benign. Review status: criteria provided, multiple submitters, no conflicts (2 of 4 stars). 2 submissions from 2 submitters: Benign (1); Likely benign (1). Last evaluated 2026-09-29.

Conditions:
Neurofibromatosis, type 1 (NF1). Also called: Neurofibromatosis, type I; VON RECKLINGHAUSEN DISEASE; Peripheral type neurofibromatosis; NEUROFIBROMATOSIS, TYPE I, SOMATIC. Identifiers: Orphanet 636, MedGen C0027831, MONDO:0018975, OMIM 162200. Disease mechanism: loss of function.

Submissions (2):

Myriad Genetics, Inc.
Classification: Benign for Neurofibromatosis, type 1. Last evaluated: 2026-09-29. Review status: criteria provided, single submitter. Criteria: Myriad Autosomal Dominant, Autosomal Recessive and X-Linked Classification Criteria (2023). Collection method: clinical testing. Allele origin: unknown.
Comment: This variant is considered benign. This variant is a silent/synonymous amino acid change and it is not expected to impact splicing.

Labcorp Genetics (formerly Invitae), Labcorp
Classification: Likely benign for Neurofibromatosis, type 1. Last evaluated: 2021-12-01. Review status: criteria provided, single submitter. Criteria: Invitae Variant Classification Sherloc (09022015). Collection method: clinical testing. Allele origin: germline.

NM_001042492.3(NF1):c.4551A>G (p.Lys1517=)

Gene: NF1 (neurofibromin 1; plus strand). Cytogenetic location: 17q11.2.
Variant type: single nucleotide variant.
Coding change: c.4551A>G on transcript NM_001042492.3 (MANE Select); coding-DNA position 4551, A replaced by G.
Protein change: p.Lys1517=; no amino-acid change (lysine 1517 retained).
Molecular consequence: synonymous variant.
Genome position (GRCh38, 1-based): chr17:31,260,489, A>G. VCF-style: chr17-31260489-A-G. GRCh37 (hg19) VCF-style: chr17-29587507-A-G.
Other names: c.4488A>G, p.Lys1496= (NM_000267.4).
Identifiers: ClinVar variation 1080905 (VCV001080905.8), dbSNP rs2151464808, ClinGen allele CA499233740.